The following is an entry in ClinVar:

ClinVar aggregate classification (germline): Benign. Review status: criteria provided, multiple submitters, no conflicts (2 of 4 stars). 10 submissions from 9 submitters: Benign (7). 3 of the submissions do not count toward it. Last evaluated 2026-01-29.

Conditions:
Martsolf syndrome (MARTS). Also called: Congenital cataract with intellectual disability and hypogonadotropic hypogonadism syndrome. Identifiers: Orphanet 1387, MedGen C0796037, MONDO:0023910.
Warburg micro syndrome 2 (WARBM2). Also called: MICRO SYNDROME 2. Identifiers: Orphanet 2510, MedGen C3280214, MONDO:0013641, OMIM 614225.

Allele frequency attached by ClinVar (database versions not stated): gnomAD exomes 0.00358 and 0.00941; ExAC 0.01160; gnomAD 0.03407 and 0.03652; TOPMed 0.03862; ESP Exome Variant Server 0.03929; 1000 Genomes Project 0.04193; 1000 Genomes Project 30x 0.04403.
gnomAD v4.1: 10,647 of 1,613,554 alleles (0.66%); highest among the groups gnomAD compares: African/African-American, 12%; 552 homozygotes.

Submissions (10):

Labcorp Genetics (formerly Invitae), Labcorp
Classification: Benign for Martsolf syndrome; Warburg micro syndrome 2. Last evaluated: 2026-01-29. Review status: criteria provided, single submitter. Criteria: Invitae Variant Classification Sherloc (09022015). Collection method: clinical testing. Allele origin: germline.

Blueprint Genetics
Classification: Benign. Last evaluated: 2024-11-25. Review status: criteria provided, single submitter. Criteria: ACMG Guidelines, 2015. Collection method: clinical testing. Allele origin: germline.

Mayo Clinic Laboratories, Mayo Clinic
Classification: Benign. Last evaluated: 2022-03-23. Review status: criteria provided, single submitter. Criteria: ACMG Guidelines, 2015. Collection method: clinical testing. Allele origin: germline. Observed: 5 variant alleles.

Illumina Laboratory Services, Illumina
Classification: Benign for Warburg micro syndrome 2. Last evaluated: 2018-01-13. Review status: criteria provided, single submitter. Criteria: ICSL Variant Classification Criteria 13 December 2019. Collection method: clinical testing. Allele origin: germline.
Comment: This variant was observed in the ICSL laboratory as part of a predisposition screen in an ostensibly healthy population. It had not been previously curated by ICSL or reported in the Human Gene Mutation Database (HGMD: prior to June 1st, 2018), and was therefore a candidate for classification through an automated scoring system. Utilizing variant allele frequency, disease prevalence and penetrance estimates, and inheritance mode, an automated score was calculated to assess if this variant is too frequent to cause the disease. Based on the score and internal cut-off values, a variant classified as benign is not then subjected to further curation. The score for this variant resulted in a classification of benign for this disease.

Illumina Laboratory Services, Illumina
Classification: Benign for Martsolf syndrome 1. Last evaluated: 2018-01-13. Review status: criteria provided, single submitter. Criteria: ICSL Variant Classification Criteria 13 December 2019. Collection method: clinical testing. Allele origin: germline.
Comment: the same text as in the submission from Illumina Laboratory Services, Illumina above.

GeneDx
Classification: Benign. Last evaluated: 2014-04-28. Review status: criteria provided, single submitter. Criteria: GeneDx Variant Classification (06012015). Collection method: clinical testing. Allele origin: germline. Affected: yes.
Comment: This variant is considered likely benign or benign based on one or more of the following criteria: it is a conservative change, it occurs at a poorly conserved position in the protein, it is predicted to be benign by multiple in silico algorithms, and/or has population frequency not consistent with disease.

Breakthrough Genomics
Classification: Benign. Review status: criteria provided, single submitter. Criteria: ACMG Guidelines, 2015. Collection method: not provided. Allele origin: germline. Inheritance: Autosomal recessive inheritance. Affected: yes.

Clinical Genetics DNA and cytogenetics Diagnostics Lab, Erasmus MC, Erasmus Medical Center
Classification: Benign. Review status: no assertion criteria provided. Collection method: clinical testing. Allele origin: germline. Affected: yes. Study: VKGL Data-share Consensus. Not counted in ClinVar's aggregate classification.

Genetic Services Laboratory, University of Chicago
Classification: Likely benign for AllHighlyPenetrant. Review status: no assertion criteria provided. Collection method: clinical testing. Allele origin: germline. Inheritance: Autosomal recessive inheritance. Not counted in ClinVar's aggregate classification.
Comment: Likely benign based on allele frequency in 1000 Genomes Project or ESP global frequency and its presence in a patient with a rare or unrelated disease phenotype. NOT Sanger confirmed.

Joint Genome Diagnostic Labs from Nijmegen and Maastricht, Radboudumc and MUMC+
Classification: Benign. Review status: no assertion criteria provided. Collection method: clinical testing. Allele origin: germline. Affected: yes. Study: VKGL Data-share Consensus. Not counted in ClinVar's aggregate classification.

NM_012414.4(RAB3GAP2):c.2088A>G (p.Thr696=)

Gene: RAB3GAP2 (RAB3 GTPase activating non-catalytic protein subunit 2; minus strand). Cytogenetic location: 1q41.
Variant type: single nucleotide variant.
Coding change: c.2088A>G on transcript NM_012414.4 (MANE Select); coding-DNA position 2088, A replaced by G.
Protein change: p.Thr696=; no amino-acid change (threonine 696 retained).
Molecular consequence: synonymous variant.
Genome position (GRCh38, 1-based): chr1:220,182,842, T>C on the plus strand (A>G on the coding strand, the complement: RAB3GAP2 is on the minus strand). VCF-style: chr1-220182842-T-C. GRCh37 (hg19) VCF-style: chr1-220356184-T-C.
Other names: p.T696T:ACA>ACG; p.Thr696=.
Identifiers: ClinVar variation 130077 (VCV000130077.26), dbSNP rs2577126, ClinGen allele CA154860.